The following is an entry in ClinVar:

NM_001018111.3(PODXL):c.1483C>T (p.Arg495Trp)

Gene: PODXL (podocalyxin like; minus strand). Cytogenetic location: 7q32.3.
Variant type: single nucleotide variant.
Coding change: c.1483C>T on transcript NM_001018111.3 (MANE Select); coding-DNA position 1483, C replaced by T.
Protein change: p.Arg495Trp; replaces arginine 495 with tryptophan.
Molecular consequence: missense variant.
Genome position (GRCh38, 1-based): chr7:131,504,505, G>A on the plus strand (C>T on the coding strand, the complement: PODXL is on the minus strand). VCF-style: chr7-131504505-G-A. GRCh37 (hg19) VCF-style: chr7-131189264-G-A.
Other names: c.1387C>T, p.Arg463Trp (NM_005397.4); short protein forms R495W, R463W.
Identifiers: ClinVar variation 2698532 (VCV002698532.3), dbSNP rs375122245, ClinGen allele CA4488335.

ClinVar aggregate classification (germline): Uncertain significance (1 of 4 stars; one submission).

Allele frequency attached by ClinVar (database versions not stated): ExAC 0.00001; gnomAD exomes 0.00002; gnomAD 0.00003; TOPMed 0.00003; ESP Exome Variant Server 0.00008.
gnomAD v4.1: 30 of 1,613,856 alleles (0.0019%); highest among the groups gnomAD compares: Non-Finnish European, 0.0024%; no homozygotes.

Submission:

Labcorp Genetics (formerly Invitae), Labcorp
Classification: Uncertain significance. Last evaluated: 2024-03-27. Review status: criteria provided, single submitter. Criteria: Invitae Variant Classification Sherloc (09022015). Collection method: clinical testing. Allele origin: germline.
Comment: This sequence change replaces arginine, which is basic and polar, with tryptophan, which is neutral and slightly polar, at codon 463 of the PODXL protein (p.Arg463Trp). This variant is present in population databases (rs375122245, gnomAD 0.003%). This variant has not been reported in the literature in individuals affected with PODXL-related conditions. An algorithm developed to predict the effect of missense changes on protein structure and function (PolyPhen-2) suggests that this variant is likely to be disruptive. In summary, the available evidence is currently insufficient to determine the role of this variant in disease. Therefore, it has been classified as a Variant of Uncertain Significance.